The following is an entry in ClinVar:

ClinVar aggregate classification (germline): Pathogenic/Likely pathogenic. Review status: criteria provided, multiple submitters, no conflicts (2 of 4 stars). 2 submissions from 2 submitters: Pathogenic (1); Likely pathogenic (1). Last evaluated 2024-07-08.

Conditions:
Sotos syndrome (SOTOS). Also called: SOTOS SYNDROME 1; CHROMOSOME 5q35 DELETION SYNDROME; CEREBRAL GIGANTISM; Sotos' syndrome; Distinctive facial appearance, overgrowth in childhood, and learning disabilities or delayed development. Identifiers: Orphanet 821, MedGen C0175695, MONDO:0019349, OMIM 117550.

Submissions (2):

Regional Center For Medical Genetics Timis, Louis Turcanu Emergency Hospital for Children Timisoara
Classification: Likely pathogenic for Sotos syndrome. Last evaluated: 2024-07-08. Review status: criteria provided, single submitter. Criteria: ACMG Guidelines, 2015. Collection method: research. Allele origin: germline. Affected: yes.
Comment: This variant is absent from healthy population databases (gnomAD v4.1.0 genomes and exomes). This variant leads to frameshift, premature stop codon occurrence and loss of function (LOF). NSD1-LOF variants are known to be pathogenic. Therefore, the variant was classified as likely pathogenic, according to ACMG 2015 guidelines.

Labcorp Genetics (formerly Invitae), Labcorp
Classification: Pathogenic. Last evaluated: 2023-06-16. Review status: criteria provided, single submitter. Criteria: Invitae Variant Classification Sherloc (09022015). Collection method: clinical testing. Allele origin: germline.
Comment: This sequence change creates a premature translational stop signal (p.Met1531Asnfs*4) in the NSD1 gene. It is expected to result in an absent or disrupted protein product. Loss-of-function variants in NSD1 are known to be pathogenic (PMID: 12464997, 14571271, 15942875, 16247291). This variant is not present in population databases (gnomAD no frequency). This premature translational stop signal has been observed in individual(s) with Sotos syndrome (PMID: 23190751). This variant is also known as c.4591_4592insA. For these reasons, this variant has been classified as Pathogenic.

Literature cited by the submitters: PubMed 12464997 (cited by Labcorp Genetics (formerly Invitae), Labcorp); PubMed 14571271 (cited by Labcorp Genetics (formerly Invitae), Labcorp); PubMed 15942875 (cited by Labcorp Genetics (formerly Invitae), Labcorp); PubMed 16247291 (cited by Labcorp Genetics (formerly Invitae), Labcorp); PubMed 23190751 (cited by Labcorp Genetics (formerly Invitae), Labcorp).

NM_022455.5(NSD1):c.4591dup (p.Met1531fs)

Gene: NSD1 (nuclear receptor binding SET domain protein 1; plus strand). Cytogenetic location: 5q35.3.
Variant type: Duplication.
Coding change: c.4591dup on transcript NM_022455.5 (MANE Select); coding-DNA position 4591, one base duplicated (A; older notation c.4591dupA).
Protein change: p.Met1531fs; shifts the reading frame from methionine 1531.
Molecular consequence: frameshift variant.
Genome position (GRCh38, 1-based): chr5:177,248,274, A duplicated; the last of 7 consecutive A bases (chr5:177,248,268-177,248,274); duplicating any one gives the same sequence. VCF-style (leftmost placement, unchanged base first): chr5-177248267-T-TA. GRCh37 (hg19) VCF-style: chr5-176675268-T-TA.
Other names: c.3718dup, p.Met1240fs (NM_001365684.2, NM_001409306.1, NM_001409307.1 and 3 more transcripts); c.4591dup, p.Met1531fs (NM_001409301.1, NM_001409302.1, NM_001409303.1); c.4171dup, p.Met1391fs (NM_001409304.1); c.3838dup, p.Met1280fs (NM_001409305.1); short protein forms M1240fs, M1280fs, M1391fs, M1531fs.
Identifiers: ClinVar variation 3253738 (VCV003253738.4), dbSNP rs2149899719.